The following is an entry in ClinVar:

NM_025009.5(CEP135):c.1920G>A (p.Ser640=)

Gene: CEP135 (centrosomal protein 135; plus strand). Cytogenetic location: 4q12.
Variant type: single nucleotide variant.
Coding change: c.1920G>A on transcript NM_025009.5 (MANE Select); coding-DNA position 1920, G replaced by A.
Protein change: p.Ser640=; no amino-acid change (serine 640 retained).
Molecular consequence: synonymous variant.
Genome position (GRCh38, 1-based): chr4:55,991,996, G>A. VCF-style: chr4-55991996-G-A. GRCh37 (hg19) VCF-style: chr4-56858162-G-A.
Other names: c.1920G>A (NM_025009.4).
Identifiers: ClinVar variation 434721 (VCV000434721.45), dbSNP rs375822537, ClinGen allele CA2928011.

ClinVar aggregate classification (germline): Likely benign. Review status: criteria provided, multiple submitters, no conflicts (2 of 4 stars). 4 submissions from 4 submitters: Likely benign (3). 1 of the submissions does not count toward it. Last evaluated 2026-01-22.

Conditions:
CEP135-related disorder. Also called: CEP135-related condition.

Allele frequency attached by ClinVar (database versions not stated): gnomAD 0.00012 and 0.00014; TOPMed 0.00019; ExAC 0.00021; gnomAD exomes 0.00022; ESP Exome Variant Server 0.00031; 1000 Genomes Project 0.00060; 1000 Genomes Project 30x 0.00062.
gnomAD v4.1: 181 of 1,594,292 alleles (0.011%); highest among the groups gnomAD compares: Middle Eastern, 0.12%; no homozygotes.

Submissions (4):

Labcorp Genetics (formerly Invitae), Labcorp
Classification: Likely benign. Last evaluated: 2026-01-22. Review status: criteria provided, single submitter. Criteria: Invitae Variant Classification Sherloc (09022015). Collection method: clinical testing. Allele origin: germline.

CeGaT Center for Human Genetics Tuebingen
Classification: Likely benign. Last evaluated: 2022-06-01. Review status: criteria provided, single submitter. Criteria: CeGaT Center For Human Genetics Tuebingen Variant Classification Criteria Version 2. Collection method: clinical testing. Allele origin: germline. Affected: yes. Observed: 1 variant allele.
Comment: CEP135: BP4, BP7

Genetic Services Laboratory, University of Chicago
Classification: Likely benign. Last evaluated: 2016-05-05. Review status: criteria provided, single submitter. Criteria: ACMG Guidelines, 2015. Collection method: clinical testing. Allele origin: germline. Affected: no.

PreventionGenetics, part of Exact Sciences
Classification: Likely benign for CEP135-related condition. Last evaluated: 2021-12-23. Review status: no assertion criteria provided. Collection method: clinical testing. Allele origin: germline. Not counted in ClinVar's aggregate classification.
Comment: This variant is classified as likely benign based on ACMG/AMP sequence variant interpretation guidelines (Richards et al. 2015 PMID: 25741868, with internal and published modifications).